The following is an entry in ClinVar:

NM_002691.4(POLD1):c.1382A>G (p.Gln461Arg)

Gene: POLD1 (DNA polymerase delta 1, catalytic subunit; plus strand). Cytogenetic location: 19q13.33.
Variant type: single nucleotide variant.
Coding change: c.1382A>G on transcript NM_002691.4 (MANE Select); coding-DNA position 1382, A replaced by G.
Protein change: p.Gln461Arg; replaces glutamine 461 with arginine.
Molecular consequence: missense variant. On other transcripts: non-coding transcript variant (1).
Genome position (GRCh38, 1-based): chr19:50,406,321, A>G. VCF-style: chr19-50406321-A-G. GRCh37 (hg19) VCF-style: chr19-50909578-A-G.
Other names: c.1382A>G (NM_002691.2); c.1382A>G, p.Gln461Arg (NM_001256849.1, NM_001308632.1); short protein forms Q461R.
Identifiers: ClinVar variation 469195 (VCV000469195.7), dbSNP rs1555791147, ClinGen allele CA406979996.
Genomic context (GRCh38, chr19:50,406,321, plus strand): 5'-CGGGCCGGCGGGACACCAAGGTTGTCAGCATGGTGGGCCGCGTGCAGATGGACATGCTGC[A>G]GGTATGGGCGGGAGGTGGGGTGTGTCCCTGTCCTTGGAAGGCCACTGCCCAGGCCCGCAG-3'
Protein context (NP_002682.2, residues 451-471): MVGRVQMDML[Gln461Arg]VLLREYKLRS

ClinVar aggregate classification (germline): Uncertain significance. Review status: criteria provided, multiple submitters, no conflicts (2 of 4 stars). 2 submissions from 2 submitters: Uncertain significance (2). Last evaluated 2026-06-24.

Conditions:
POLD1-related polyposis and colorectal cancer syndrome (CRCS10). Also called: COLORECTAL CANCER, SUSCEPTIBILITY TO, ON CHROMOSOME 19q; Colorectal cancer, susceptibility to, 10; Colorectal cancer 10. Identifiers: Orphanet 220460, MedGen C2675481, MONDO:0012953, OMIM 612591.
Hereditary cancer-predisposing syndrome. Also called: Neoplastic Syndromes, Hereditary; Hereditary neoplastic syndrome; Hereditary Cancer Syndrome; Tumor predisposition. Identifiers: Orphanet 140162, MedGen C0027672, MeSH D009386, MONDO:0015356.

Submissions (2):

Ambry Genetics
Classification: Uncertain significance for Hereditary cancer-predisposing syndrome. Last evaluated: 2026-06-24. Review status: criteria provided, single submitter. Criteria: Ambry Variant Classification Scheme 2023. Collection method: clinical testing. Allele origin: germline.
Comment: The p.Q461R variant (also known as c.1382A>G), located in coding exon 10 of the POLD1 gene, results from an A to G substitution at nucleotide position 1382. The glutamine at codon 461 is replaced by arginine, an amino acid with highly similar properties. This amino acid position is highly conserved in available vertebrate species. In addition, the in silico prediction for this alteration is inconclusive. Based on the available evidence, the clinical significance of this variant remains unclear.

Labcorp Genetics (formerly Invitae), Labcorp
Classification: Uncertain significance for POLD1-related polyposis and colorectal cancer syndrome. Last evaluated: 2022-08-30. Review status: criteria provided, single submitter. Criteria: Invitae Variant Classification Sherloc (09022015). Collection method: clinical testing. Allele origin: germline.
Comment: This sequence change replaces glutamine, which is neutral and polar, with arginine, which is basic and polar, at codon 461 of the POLD1 protein (p.Gln461Arg). This variant is not present in population databases (gnomAD no frequency). This variant has not been reported in the literature in individuals affected with POLD1-related conditions. ClinVar contains an entry for this variant (Variation ID: 469195). Algorithms developed to predict the effect of missense changes on protein structure and function are either unavailable or do not agree on the potential impact of this missense change (SIFT: "Tolerated"; PolyPhen-2: "Possibly Damaging"; Align-GVGD: "Class C0"). Algorithms developed to predict the effect of sequence changes on RNA splicing suggest that this variant may create or strengthen a splice site. In summary, the available evidence is currently insufficient to determine the role of this variant in disease. Therefore, it has been classified as a Variant of Uncertain Significance.